The following is an entry in ClinVar:

ClinVar aggregate classification (germline): Uncertain significance. Review status: criteria provided, multiple submitters, no conflicts (2 of 4 stars). 2 submissions from 2 submitters: Uncertain significance (2). Last evaluated 2022-09-12.

Conditions:
Inborn genetic diseases. Identifiers: MedGen C0950123, MeSH D030342.

Allele frequency attached by ClinVar (database versions not stated): gnomAD 0.00003; gnomAD exomes 0.00007; TOPMed 0.00007; ExAC 0.00010.

Submissions (2):

Labcorp Genetics (formerly Invitae), Labcorp
Classification: Uncertain significance. Last evaluated: 2022-09-12. Review status: criteria provided, single submitter. Criteria: Invitae Variant Classification Sherloc (09022015). Collection method: clinical testing. Allele origin: germline.
Comment: This sequence change replaces alanine, which is neutral and non-polar, with valine, which is neutral and non-polar, at codon 144 of the AAAS protein (p.Ala144Val). This variant is present in population databases (rs753317784, gnomAD 0.1%). This variant has not been reported in the literature in individuals affected with AAAS-related conditions. Advanced modeling of protein sequence and biophysical properties (such as structural, functional, and spatial information, amino acid conservation, physicochemical variation, residue mobility, and thermodynamic stability) performed at Invitae indicates that this missense variant is not expected to disrupt AAAS protein function. In summary, the available evidence is currently insufficient to determine the role of this variant in disease. Therefore, it has been classified as a Variant of Uncertain Significance.

Ambry Genetics
Classification: Uncertain significance for Inborn genetic diseases. Last evaluated: 2021-06-18. Review status: criteria provided, single submitter. Criteria: Ambry Variant Classification Scheme 2023. Collection method: clinical testing. Allele origin: germline.

NM_015665.6(AAAS):c.431C>T (p.Ala144Val)

Gene: AAAS (aladin WD repeat nucleoporin; minus strand). Cytogenetic location: 12q13.13.
Variant type: single nucleotide variant.
Coding change: c.431C>T on transcript NM_015665.6 (MANE Select); coding-DNA position 431, C replaced by T.
Protein change: p.Ala144Val; replaces alanine 144 with valine.
Molecular consequence: missense variant.
Genome position (GRCh38, 1-based): chr12:53,315,109, G>A on the plus strand (C>T on the coding strand, the complement: AAAS is on the minus strand). VCF-style: chr12-53315109-G-A. GRCh37 (hg19) VCF-style: chr12-53708893-G-A.
Other names: c.431C>T, p.Ala144Val (NM_001173466.2); c.431C>T (NM_015665.5); short protein forms A144V.
Identifiers: ClinVar variation 2057156 (VCV002057156.2), dbSNP rs753317784, ClinGen allele CA6599197.